The following is an entry in ClinVar:

ClinVar aggregate classification (germline): Conflicting classifications of pathogenicity. Review status: criteria provided, conflicting classifications (1 of 4 stars). 16 submissions from 13 submitters: Likely pathogenic (1); Uncertain significance (8); Likely benign (2). 5 of the submissions do not count toward it. Last evaluated 2026-01-19.

Conditions:
Familial dysfibrinogenemia. Also called: Dysfibrinogenemia, congenital. Identifiers: Orphanet 335, Orphanet 98881, MedGen C0272350, MONDO:0014452, OMIM 616004.
Hypofibrinogenemia. Identifiers: MedGen C0553681, HP:0011900.
Abnormal bleeding. Also called: Bleeding diathesis. Identifiers: MedGen C1458140, HP:0001892.
Thrombocytopenia. Identifiers: MedGen C0040034, MeSH D013921, MONDO:0002049, HP:0001873.
FGB-related disorder. Also called: FGB-related condition.
Afibrinogenemia. Identifiers: Orphanet 200418, MedGen C0001733, MeSH D000347, HP:0034287.
Thrombus. Identifiers: MedGen C0087086, MeSH D013927.
Congenital afibrinogenemia. Identifiers: Orphanet 335, Orphanet 98880, MedGen C2584774, MONDO:0008737, OMIM 202400.

Allele frequency attached by ClinVar (database versions not stated): 1000 Genomes Project 30x 0.00078; 1000 Genomes Project 0.00100; gnomAD exomes 0.00235; ExAC 0.00243; TOPMed 0.00248; gnomAD 0.00275 and 0.00278; ESP Exome Variant Server 0.00315.
gnomAD v4.1: 6,792 of 1,597,176 alleles (0.43%); highest among the groups gnomAD compares: Non-Finnish European, 0.55%; 20 homozygotes.

Submissions (16):

Labcorp Genetics (formerly Invitae), Labcorp
Classification: Likely benign. Last evaluated: 2026-01-19. Review status: criteria provided, single submitter. Criteria: Invitae Variant Classification Sherloc (09022015). Collection method: clinical testing. Allele origin: germline.

Mayo Clinic Laboratories, Mayo Clinic
Classification: Uncertain significance. Last evaluated: 2025-05-21. Review status: criteria provided, single submitter. Criteria: ACMG Guidelines, 2015. Collection method: clinical testing. Allele origin: germline. Observed: 6 variant alleles.
Comment: PM2_supporting, PS3_supporting

Women's Health and Genetics/Laboratory Corporation of America, LabCorp
Classification: Likely benign. Last evaluated: 2025-01-20. Review status: criteria provided, single submitter. Criteria: LabCorp Variant Classification Summary - May 2015. Collection method: clinical testing. Allele origin: germline.
Comment: Variant summary: FGB c.794C>T (p.Pro265Leu) results in a non-conservative amino acid change located in the C-terminal globular domain (IPR002181) of the encoded protein sequence. Four of five in-silico tools predict a damaging effect of the variant on protein function. The variant allele was found at a frequency of 0.0024 in 251290 control chromosomes, predominantly at a frequency of 0.0044 within the Non-Finnish European subpopulation in the gnomAD database. The observed variant frequency within Non-Finnish European control individuals in the gnomAD database exceeds the estimated maximal expected allele frequency for a pathogenic variant in FGB causing Afibrinogenemia, Congenital phenotype. c.794C>T has been reported in several heterozygous individuals affected with hypofibrinogenemia and various (suspected) bleeding/coagulation disorders (Brennan_2000, Morris_2009, Downes_2019, Almazni_2020, Preisler_2020). Large scale population studies demonstrated an association with slightly lower (~10%) fibrinogen levels (Wassel_2010, Huffman_2015, de Vries_2016). In addition, at least one publication reported experimental evidence evaluating an impact on protein function, and demonstrated decreased clot formation and clot lysis in heterozygous patient samples, which corresponded to about 70% of the control values (Morris_2009). The following publications have been ascertained in the context of this evaluation (PMID: 31064749, 32935436, 10688828, 33477601, 26105150, 19420351, 20978265, 26561523). ClinVar contains an entry for this variant (Variation ID: 517313). Based on the evidence outlined above, the variant was classified as likely benign.

Blueprint Genetics
Classification: Uncertain significance. Last evaluated: 2024-11-14. Review status: criteria provided, single submitter. Criteria: ACMG Guidelines, 2015. Collection method: clinical testing. Allele origin: germline.

Illumina Laboratory Services, Illumina
Classification: Uncertain significance for Congenital afibrinogenemia. Last evaluated: 2023-12-04. Review status: criteria provided, single submitter. Criteria: ISL SNV Classification Criteria 03 February 2026. Collection method: clinical testing. Allele origin: unknown.
Comment: The FGB c.794C>T (p.Pro265Leu) missense variant has been reported in the literature in a heterozygous state in individuals who are asymptomatic or present with one of unexplained bleeding, excessive bleeding from minor wounds, menorrhagia, or a suspected inherited bleeding disorder (PMID: 31064749; 32935436; 33477601). One individual also carried a variant in the VWF gene (PMID:33477601). The variant has been reported to be associated with lower fibrinogen levels in several large-scale population studies (PMID: 26105150; 26561523, 20978265). The highest frequency of this allele in the Genome Aggregation Database is 0.005453 AF in European (Non-Finnish) population including 20 homozygotes (version 4.0.0). Based on the available evidence, the c.794C>T (p.Pro265Leu) variant is classified as a variant of uncertain significance for congenital afibrinogenemia.

Department of Pathology and Laboratory Medicine, Sinai Health System
Classification: Uncertain significance for Congenital afibrinogenemia. Last evaluated: 2023-08-18. Review status: criteria provided, single submitter. Criteria: ACMG Guidelines, 2015. Collection method: research. Allele origin: germline.

NIHR Bioresource Rare Diseases, University of Cambridge
Classification: Likely pathogenic for Abnormal bleeding. Last evaluated: 2019-02-01. Review status: criteria provided, single submitter. Criteria: ACMG Guidelines, 2015. Collection method: research. Allele origin: unknown. Affected: yes. Observed: 2 heterozygotes. Study: ThromboGenomics.

NIHR Bioresource Rare Diseases, University of Cambridge
Classification: Uncertain significance for Hypofibrinogenemia. Last evaluated: 2019-02-01. Review status: criteria provided, single submitter. Criteria: ACMG Guidelines, 2015. Collection method: research. Allele origin: unknown. Affected: yes. Observed: 1 heterozygote. Study: ThromboGenomics.

Laboratory for Molecular Medicine, Mass General Brigham Personalized Medicine
Classification: Uncertain significance. Last evaluated: 2017-03-28. Review status: criteria provided, single submitter. Criteria: LMM Criteria. Collection method: clinical testing. Allele origin: germline. Observed: 1 variant allele.
Comment: Variant classified as Uncertain Significance - Favor Benign. The p.Pro265Leu (NM _005141.4 c.794C>T) variant in FGB has been reported in 3 compound heterozygous and 1 homozygous individuals with Hypofibrinogenemia or Chronic thromboembolic p ulmonary hypertension (CTEPH), though the additional variants found in heterozyg osity were not well-established pathogenic variants (Brennan 2000 and Morris 200 9). In vitro functional studies provide conflicting data (Brennan 2000 and Morri s 2009). This variant has been identified in 0.381% (254/66716) of European chro mosomes by the Exome Aggregation Consortium (ExAC, g; dbSNP rs52828882, rs2227436, rs6054) as well as 5% of controls in the Brennan 2000 study. In summary, the clinical significance of the p.Pro265Leu variant is uncertain; however, based on population frequency and functional data we favor a benign interpretation.

ISTH-SSC Genomics in Thrombosis and Hemostasis, KU Leuven, Center for Molecular and Vascular Biology
Classification: Uncertain significance for Thrombus. Review status: criteria provided, single submitter. Criteria: ACMG Guidelines, 2015. Collection method: clinical testing. Allele origin: germline. Affected: yes. Observed: 1 heterozygote.
Comment: Submitted to GoldVariant by Kathleen Freson, Center for Molecular and Vascular Biology, Leuven, Belgium

ISTH-SSC Genomics in Thrombosis and Hemostasis, KU Leuven, Center for Molecular and Vascular Biology
Classification: Uncertain significance for Familial dysfibrinogenemia. Review status: criteria provided, single submitter. Criteria: ACMG Guidelines, 2015. Collection method: clinical testing. Allele origin: germline. Affected: yes. Observed: 1 compound heterozygote.
Comment: Submitted to the GoldVariant database by Kathleen Freson, Center for Molecular and Vascular Biology

PreventionGenetics, part of Exact Sciences
Classification: Uncertain significance for FGB-related condition. Last evaluated: 2024-06-17. Review status: no assertion criteria provided. Collection method: clinical testing. Allele origin: germline. Not counted in ClinVar's aggregate classification.
Comment: The FGB c.794C>T variant is predicted to result in the amino acid substitution p.Pro265Leu. This variant, also described using legacy nomenclature as p.Pro235Leu, has been reported in individuals with hypofibrinogenemia, chronic thromboembolic pulmonary hypertension, or platelet defect (Brennan et al. 2000. PubMed ID: 10688828; Morris et al. 2009. PubMed ID: 19420351; Almazni et al. 2020. PubMed ID: 32935436). However, this variant has also been reported in healthy controls (Brennan et al. 2000. PubMed ID: 10688828). This variant is reported in 0.44% of alleles in individuals of European (Non-Finnish) descent in gnomAD. In ClinVar, this variant has conflicting interpretations of likely benign, uncertain significance, likely pathogenic, and pathogenic. At this time, the clinical significance of this variant is uncertain due to the absence of conclusive functional and genetic evidence.

Birmingham Platelet Group; University of Birmingham
Classification: Uncertain significance for Thrombocytopenia; Abnormal bleeding. Last evaluated: 2020-05-01. Review status: no assertion criteria provided. Collection method: research. Allele origin: germline. Affected: yes. Not counted in ClinVar's aggregate classification.

Clinical Genetics DNA and cytogenetics Diagnostics Lab, Erasmus MC, Erasmus Medical Center
Classification: Uncertain significance. Review status: no assertion criteria provided. Collection method: clinical testing. Allele origin: germline. Affected: yes. Study: VKGL Data-share Consensus. Not counted in ClinVar's aggregate classification.

ISTH-SSC Genomics in Thrombosis and Hemostasis, KU Leuven, Center for Molecular and Vascular Biology
Classification: Uncertain significance for Afibrinogenemia. Review status: no assertion criteria provided. Collection method: clinical testing. Allele origin: unknown. Affected: yes. Not counted in ClinVar's aggregate classification.
Comment: Submitted to GoldVariant by Prof Kathleen Freson from Center for Molecular and Vascular Biology, Leuven, Belgium

Joint Genome Diagnostic Labs from Nijmegen and Maastricht, Radboudumc and MUMC+
Classification: Uncertain significance. Review status: no assertion criteria provided. Collection method: clinical testing. Allele origin: germline. Affected: yes. Study: VKGL Data-share Consensus. Not counted in ClinVar's aggregate classification.

Literature cited by the submitters: PubMed 10688828 (cited by 3 submitters); PubMed 19420351 (cited by 3 submitters); PubMed 20978265 (cited by 3 submitters); PubMed 26105150 (cited by 3 submitters); PubMed 26561523 (cited by 3 submitters); PubMed 31064749 (cited by 4 submitters); PubMed 32935436 (cited by 3 submitters); PubMed 33477601 (cited by 3 submitters).

NM_005141.5(FGB):c.794C>T (p.Pro265Leu)

Gene: FGB (fibrinogen beta chain; plus strand). Cytogenetic location: 4q31.3.
Variant type: single nucleotide variant.
Coding change: c.794C>T on transcript NM_005141.5 (MANE Select); coding-DNA position 794, C replaced by T.
Protein change: p.Pro265Leu; replaces proline 265 with leucine.
Molecular consequence: missense variant.
Genome position (GRCh38, 1-based): chr4:154,568,456, C>T. VCF-style: chr4-154568456-C-T. GRCh37 (hg19) VCF-style: chr4-155489608-C-T.
Other names: c.617C>T, p.Pro206Leu (NM_001184741.1); short protein forms P265L, P206L.
Identifiers: ClinVar variation 517313 (VCV000517313.40), dbSNP rs6054, ClinGen allele CA3114629.